The following is an entry in ClinVar:

ClinVar aggregate classification (germline): Uncertain significance (1 of 4 stars; one submission).

Conditions:
Familial adenomatous polyposis 1 (FAP1). Also called: FAMILIAL ADENOMATOUS POLYPOSIS 1, ATTENUATED; POLYPOSIS, ADENOMATOUS INTESTINAL. Identifiers: MedGen C2713442, MONDO:0021056, OMIM 175100. Disease mechanism: loss of function.

Submission:

Labcorp Genetics (formerly Invitae), Labcorp
Classification: Uncertain significance for Familial adenomatous polyposis 1. Last evaluated: 2021-02-21. Review status: criteria provided, single submitter. Criteria: Invitae Variant Classification Sherloc (09022015). Collection method: clinical testing. Allele origin: germline.
Comment: In summary, the available evidence is currently insufficient to determine the role of this variant in disease. Therefore, it has been classified as a Variant of Uncertain Significance. Algorithms developed to predict the effect of missense changes on protein structure and function are either unavailable or do not agree on the potential impact of this missense change (SIFT: "Deleterious"; PolyPhen-2: "Possibly Damaging"; Align-GVGD: "Class C0"). This variant has not been reported in the literature in individuals with APC-related conditions. This variant is not present in population databases (ExAC no frequency). This sequence change replaces isoleucine with methionine at codon 1524 of the APC protein (p.Ile1524Met). The isoleucine residue is highly conserved and there is a small physicochemical difference between isoleucine and methionine.

NM_000038.6(APC):c.4572A>G (p.Ile1524Met)

Gene: APC (APC regulator of Wnt signaling pathway; plus strand). Cytogenetic location: 5q22.2.
Variant type: single nucleotide variant.
Coding change: c.4572A>G on transcript NM_000038.6 (MANE Select); coding-DNA position 4572, A replaced by G.
Protein change: p.Ile1524Met; replaces isoleucine 1524 with methionine.
Molecular consequence: missense variant.
Genome position (GRCh38, 1-based): chr5:112,840,166, A>G. VCF-style: chr5-112840166-A-G. GRCh37 (hg19) VCF-style: chr5-112175863-A-G.
Other names: c.4572A>G, p.Ile1524Met (NM_001127510.3, NM_001354895.2); c.4518A>G, p.Ile1506Met (NM_001127511.3); c.4626A>G, p.Ile1542Met (NM_001354896.2); c.4602A>G, p.Ile1534Met (NM_001354897.2); c.4497A>G, p.Ile1499Met (NM_001354898.2); c.4488A>G, p.Ile1496Met (NM_001354899.2); c.4449A>G, p.Ile1483Met (NM_001354900.2); c.4395A>G, p.Ile1465Met (NM_001354901.2); and 5 more; short protein forms I1241M, I1364M, I1465M, I1496M, I1499M, I1506M, I1542M, I1524M.
Identifiers: ClinVar variation 1374835 (VCV001374835.8), dbSNP rs2149917865, ClinGen allele CA16031342.